The following is an entry in ClinVar:

ClinVar aggregate classification (germline): Uncertain significance. Review status: criteria provided, multiple submitters, no conflicts (2 of 4 stars). 2 submissions from 2 submitters: Uncertain significance (2). Last evaluated 2021-12-06.

Conditions:
Emery-Dreifuss muscular dystrophy 4, autosomal dominant (EDMD4). Also called: EMERY-DREIFUSS MUSCULAR DYSTROPHY 4 WITH VARIABLE FEATURES. Identifiers: Orphanet 261, MedGen C2751807, MONDO:0013071, OMIM 612998.
Autosomal recessive ataxia, Beauce type. Also called: Spinocerebellar ataxia, autosomal recessive 8; ATAXIA, RECESSIVE, OF BEAUCE; SYNE1-Related Autosomal Recessive Cerebellar Ataxia; SYNE1 Deficiency. Identifiers: Orphanet 88644, MedGen C1853116, MONDO:0012549, OMIM 610743.

Allele frequency attached by ClinVar (database versions not stated): gnomAD 0.00001; gnomAD exomes 0.00001; 1000 Genomes Project 30x 0.00016; 1000 Genomes Project 0.00020.
gnomAD v4.1: 11 of 1,613,684 alleles (0.00068%); highest among the groups gnomAD compares: South Asian, 0.012%; no homozygotes.

Submissions (2):

Labcorp Genetics (formerly Invitae), Labcorp
Classification: Uncertain significance for Emery-Dreifuss muscular dystrophy 4, autosomal dominant; Autosomal recessive ataxia, Beauce type. Last evaluated: 2021-12-06. Review status: criteria provided, single submitter. Criteria: Invitae Variant Classification Sherloc (09022015). Collection method: clinical testing. Allele origin: germline.
Comment: In summary, the available evidence is currently insufficient to determine the role of this variant in disease. Therefore, it has been classified as a Variant of Uncertain Significance. Algorithms developed to predict the effect of missense changes on protein structure and function are either unavailable or do not agree on the potential impact of this missense change (SIFT: "Deleterious"; PolyPhen-2: "Probably Damaging"; Align-GVGD: "Class C15"). This variant has not been reported in the literature in individuals affected with SYNE1-related conditions. This variant is present in population databases (rs201619636, gnomAD 0.006%). This sequence change replaces serine, which is neutral and polar, with phenylalanine, which is neutral and non-polar, at codon 501 of the SYNE1 protein (p.Ser501Phe).

Revvity Omics, Revvity
Classification: Uncertain significance. Last evaluated: 2019-03-15. Review status: criteria provided, single submitter. Criteria: ACMG Guidelines, 2015. Collection method: clinical testing. Allele origin: germline.

NM_182961.4(SYNE1):c.1481C>T (p.Ser494Phe)

Gene: SYNE1 (spectrin repeat containing nuclear envelope protein 1; minus strand). Cytogenetic location: 6q25.2.
Variant type: single nucleotide variant.
Coding change: c.1481C>T on transcript NM_182961.4 (MANE Select); coding-DNA position 1481, C replaced by T.
Protein change: p.Ser494Phe; replaces serine 494 with phenylalanine.
Molecular consequence: missense variant.
Genome position (GRCh38, 1-based): chr6:152,471,748, G>A on the plus strand (C>T on the coding strand, the complement: SYNE1 is on the minus strand). VCF-style: chr6-152471748-G-A. GRCh37 (hg19) VCF-style: chr6-152792883-G-A.
Other names: c.1502C>T, p.Ser501Phe (NM_033071.5); short protein forms S494F, S501F.
Identifiers: ClinVar variation 2180375 (VCV002180375.7), dbSNP rs201619636, ClinGen allele CA150207754.